The following is an entry in ClinVar:

ClinVar aggregate classification (germline): Uncertain significance (1 of 4 stars; one submission).

Conditions:
Left ventricular noncompaction 8 (LVNC8). Identifiers: Orphanet 154, Orphanet 54260, MedGen C3809288, MONDO:0014152, OMIM 615373.

Allele frequency attached by ClinVar (database versions not stated): gnomAD 0.00001; gnomAD exomes 0.00001; ExAC 0.00002.

Submission:

Labcorp Genetics (formerly Invitae), Labcorp
Classification: Uncertain significance for Left ventricular noncompaction 8. Last evaluated: 2025-01-01. Review status: criteria provided, single submitter. Criteria: Invitae Variant Classification Sherloc (09022015). Collection method: clinical testing. Allele origin: germline.
Comment: This sequence change replaces proline, which is neutral and non-polar, with leucine, which is neutral and non-polar, at codon 465 of the PRDM16 protein (p.Pro465Leu). This variant is present in population databases (rs767571135, gnomAD 0.005%). This variant has not been reported in the literature in individuals affected with PRDM16-related conditions. ClinVar contains an entry for this variant (Variation ID: 2140241). An algorithm developed to predict the effect of missense changes on protein structure and function (PolyPhen-2) suggests that this variant is likely to be tolerated. In summary, the available evidence is currently insufficient to determine the role of this variant in disease. Therefore, it has been classified as a Variant of Uncertain Significance.

NM_022114.4(PRDM16):c.1394C>T (p.Pro465Leu)

Gene: PRDM16 (PR/SET domain 16; plus strand). Cytogenetic location: 1p36.32.
Variant type: single nucleotide variant.
Coding change: c.1394C>T on transcript NM_022114.4 (MANE Select); coding-DNA position 1394, C replaced by T.
Protein change: p.Pro465Leu; replaces proline 465 with leucine.
Molecular consequence: missense variant.
Genome position (GRCh38, 1-based): chr1:3,411,591, C>T. VCF-style: chr1-3411591-C-T. GRCh37 (hg19) VCF-style: chr1-3328155-C-T.
Other names: c.1394C>T, p.Pro465Leu (NM_199454.3); short protein forms P465L.
Identifiers: ClinVar variation 2140241 (VCV002140241.4), dbSNP rs767571135, ClinGen allele CA544181.